The following is an entry in ClinVar:

NM_016213.5(TRIP4):c.367A>G (p.Thr123Ala)

Gene: TRIP4 (thyroid hormone receptor interactor 4; plus strand). Cytogenetic location: 15q22.31.
Variant type: single nucleotide variant.
Coding change: c.367A>G on transcript NM_016213.5 (MANE Select); coding-DNA position 367, A replaced by G.
Protein change: p.Thr123Ala; replaces threonine 123 with alanine.
Molecular consequence: missense variant. On other transcripts: 5 prime UTR variant (1), non-coding transcript variant (1).
Genome position (GRCh38, 1-based): chr15:64,395,493, A>G. VCF-style: chr15-64395493-A-G. GRCh37 (hg19) VCF-style: chr15-64687692-A-G.
Other names: c.-324A>G (NM_001321924.2); short protein forms T123A.
Identifiers: ClinVar variation 1378104 (VCV001378104.6), dbSNP rs199707100, ClinGen allele CA393195174.

ClinVar aggregate classification (germline): Uncertain significance (1 of 4 stars; one submission).

gnomAD v4.1: 11 of 1,613,852 alleles (0.00068%); highest among the groups gnomAD compares: Non-Finnish European, 0.00093%; no homozygotes.

Submission:

Labcorp Genetics (formerly Invitae), Labcorp
Classification: Uncertain significance. Last evaluated: 2022-11-01. Review status: criteria provided, single submitter. Criteria: Invitae Variant Classification Sherloc (09022015). Collection method: clinical testing. Allele origin: germline.
Comment: In summary, the available evidence is currently insufficient to determine the role of this variant in disease. Therefore, it has been classified as a Variant of Uncertain Significance. Advanced modeling of protein sequence and biophysical properties (such as structural, functional, and spatial information, amino acid conservation, physicochemical variation, residue mobility, and thermodynamic stability) performed at Invitae indicates that this missense variant is not expected to disrupt TRIP4 protein function. ClinVar contains an entry for this variant (Variation ID: 1378104). This variant has not been reported in the literature in individuals affected with TRIP4-related conditions. This variant is not present in population databases (gnomAD no frequency). This sequence change replaces threonine, which is neutral and polar, with alanine, which is neutral and non-polar, at codon 123 of the TRIP4 protein (p.Thr123Ala).